The following is an entry in ClinVar:

NM_024298.5(MBOAT7):c.758_778del (p.Glu253_Ala259del)

Gene: MBOAT7 (membrane bound acylglycerophosphatidylinositol O-acyltransferase MBOAT7; minus strand). Cytogenetic location: 19q13.42.
Variant type: Deletion.
Coding change: c.758_778del on transcript NM_024298.5 (MANE Select); coding-DNA positions 758 to 778, 21 bases deleted (AGTGCGGCTGCATTGCCGCCG).
Protein change: p.Glu253_Ala259del.
Molecular consequence: inframe deletion.
Genome position (GRCh38, 1-based): chr19:54,180,849-54,180,869, CGGCGGCAATGCAGCCGCACT deleted on the plus strand (AGTGCGGCTGCATTGCCGCCG on the coding strand, the reverse complement: MBOAT7 is on the minus strand); deleting any 21 consecutive bases within chr19:54,180,849-54,180,879 gives the same sequence; the c. name uses the placement nearest the transcript's 3' end. VCF-style (leftmost placement, unchanged base first): chr19-54180848-CCGGCGGCAATGCAGCCGCACT-C. GRCh37 (hg19) VCF-style: chr19-54684565-CCGGCGGCAATGCAGCCGCACT-C.
Other names: c.539_559del, p.Glu180_Ala186del (NM_001146056.3, NM_001146083.3); c.758_778del, p.Glu253_Ala259del (NM_001146082.3); c.758_778del21 (NM_024298.3, NM_024298.5).
Identifiers: ClinVar variation 268112 (VCV000268112.54), dbSNP rs750035706, ClinGen allele CA309346602.

ClinVar aggregate classification (germline): Pathogenic. Review status: criteria provided, multiple submitters, no conflicts (2 of 4 stars). 10 submissions from 10 submitters: Pathogenic (8). 2 of the submissions do not count toward it. Last evaluated 2026-10-07.

Conditions:
Intellectual developmental disorder, autosomal recessive 57. Also called: Intellectual disability, autosomal recessive 57. Identifiers: MedGen C4310673, MONDO:0014962, OMIM 617188.
Inborn genetic diseases. Identifiers: MedGen C0950123, MeSH D030342.
MBOAT7-related disorders.

Submissions (10):

GeneDx
Classification: Pathogenic. Last evaluated: 2026-10-07. Review status: criteria provided, single submitter. Criteria: GeneDx Variant Classification Process June 2021. Collection method: clinical testing. Allele origin: germline.
Comment: In-frame deletion of 7 amino acid(s) in a non-repeat region; In silico analysis supports a deleterious effect on protein structure/function; This variant is associated with the following publications: (PMID: 31852446, 27616480, 33335874, 38088234, 39843441, 40116760)

Institute of Human Genetics Munich, TUM University Hospital
Classification: Pathogenic for Intellectual developmental disorder, autosomal recessive 57. Last evaluated: 2024-12-18. Review status: criteria provided, single submitter. Criteria: Classification criteria August 2017. Collection method: clinical testing. Allele origin: inherited. Inheritance: Autosomal recessive inheritance. Affected: yes. Observed: 1 variant allele.

Women's Health and Genetics/Laboratory Corporation of America, LabCorp
Classification: Pathogenic for Intellectual developmental disorder, autosomal recessive 57. Last evaluated: 2024-03-22. Review status: criteria provided, single submitter. Criteria: LabCorp Variant Classification Summary - May 2015. Collection method: clinical testing. Allele origin: germline.
Comment: Variant summary: MBOAT7 c.758_778del21 (p.Glu253_Ala259del) results in an in-frame deletion that is predicted to remove seven amino acids from the encoded protein. The variant allele was found at a frequency of 2.2e-05 in 182932 control chromosomes. c.758_778del21 has been reported in the literature in multiple homozygous individuals affected with Mental Retardation, Autosomal Recessive 57 and has been reported as a founder mutation in the Pakistani population (e.g. Khan_2019). These data indicate that the variant is very likely to be associated with disease. To our knowledge, no experimental evidence demonstrating an impact on protein function has been reported. The following publication has been ascertained in the context of this evaluation (PMID: 31852446). ClinVar contains an entry for this variant (Variation ID: 268112). Based on the evidence outlined above, the variant was classified as pathogenic.

CeGaT Center for Human Genetics Tuebingen
Classification: Pathogenic. Last evaluated: 2022-09-01. Review status: criteria provided, single submitter. Criteria: CeGaT Center For Human Genetics Tuebingen Variant Classification Criteria Version 2. Collection method: clinical testing. Allele origin: germline. Affected: yes. Observed: 2 variant alleles.
Comment: MBOAT7: PP1:Strong, PM1, PM4, PM2:Supporting, PM3:Supporting, PP4

Ambry Genetics
Classification: Pathogenic for Inborn genetic diseases. Last evaluated: 2022-07-15. Review status: criteria provided, single submitter. Criteria: Ambry Variant Classification Scheme 2023. Collection method: clinical testing. Allele origin: germline.
Comment: The c.758_778del21 (p.E253_A259del) alteration, located in exon 6 (coding exon 5) of the MBOAT7 gene, results from an in-frame deletion of 21 nucleotides between nucleotide positions c.758 and c.778. This results in the deletion of 7 amino acids from codons 253 to 259. Based on data from gnomAD, this alteration has an overall frequency of 0.002% (5/214278) total alleles studied. The highest observed frequency was 0.016% (4/25456) of South Asian alleles. This alteration has been reported in multiple patients from consanguineous families with moderate to severe neurodevelopmental disorders (Johansen, 2016; Khan, 2019; Sun, 2020). There is evidence to suggest that it is a founder mutation in the Pakistani population (Khan, 2019; Sun, 2020). Based on the available evidence, this alteration is classified as pathogenic.

3billion
Classification: Pathogenic for Intellectual developmental disorder, autosomal recessive 57. Last evaluated: 2022-03-22. Review status: criteria provided, single submitter. Criteria: ACMG Guidelines, 2015. Collection method: clinical testing. Allele origin: germline. Affected: yes. Observed: 1 homozygote.
Comment: The variant was co-segregated with Mental retardation, autosomal recessive 57 in multiple affected family members with additional meioses meeting moderate evidence levels (PMID: 31852446, 27616480). The variant has been observed in multiple (>3) similarly affected unrelated individuals (PMID: 31852446, 27616480). It is observed at an extremely low frequency in the gnomAD v2.1.1 dataset (total allele frequency:0.0000272). Inframe deletion located in a nonrepeat region: predicted to change the length of the protein and disrupt normal protein function(PM4_M). Therefore, this variant is classified as pathogenic according to the recommendation of ACMG/AMP guideline.

Victorian Clinical Genetics Services, Murdoch Childrens Research Institute
Classification: Pathogenic for Intellectual developmental disorder, autosomal recessive 57. Last evaluated: 2022-02-02. Review status: criteria provided, single submitter. Criteria: ACMG Guidelines, 2015. Collection method: clinical testing. Allele origin: germline. Inheritance: Autosomal recessive inheritance.
Comment: Based on the classification scheme VCGS_Germline_v1.3.4, this variant is classified as Pathogenic. Following criteria are met: 0102 - Loss of function is a known mechanism of disease in this gene and is associated with intellectual disability 57 (MIM#617188). (I) 0106 - This gene is associated with autosomal recessive disease. (I) 0213 - In-frame deletion in a non-repetitive region that has moderate conservation. (SP) 0252 - This variant is homozygous. (I) 0304 - Variant is present in gnomAD <0.01 for a recessive condition (v2: 5 heterozygotes, 0 homozygotes). (SP) 0600 - Variant is located in the annotated catalytic acyltransferase domain (PMID: 27616480). (I) 0705 - No comparable in-frame deletion variants have previous evidence for pathogenicity. (I) 0802 - This variant has moderate previous evidence of pathogenicity in unrelated individuals. This variant has been reported in five consanguineous families with neurodevelopmental disorders. It should be noted that all the families are from Pakistan, with four of the families originating from the Khyber Pakhtunkhwa Province (PMIDs: 27616480, 31852446, 33335874). (SP) 0901 - This variant has strong evidence for segregation with disease. This variant has been demonstrated to be homozygous in affected individuals only, with unaffected individuals shown to be heterozygous for the variant (PMID: 31852446). (SP) 1007 - No published functional evidence has been identified for this variant. (I) Legend: (SP) - Supporting pathogenic, (I) - Information, (SB) - Supporting benign

Blueprint Genetics
Classification: Pathogenic for MBOAT7-related disorders. Last evaluated: 2021-12-29. Review status: criteria provided, single submitter. Criteria: ACMG Guidelines, 2015. Collection method: clinical testing. Allele origin: germline. Affected: yes. Observed: 4 variant alleles.

OMIM
Classification: Pathogenic for INTELLECTUAL DEVELOPMENTAL DISORDER, AUTOSOMAL RECESSIVE 57. Last evaluated: 2022-01-26. Review status: no assertion criteria provided. Collection method: literature only. Allele origin: germline. Not counted in ClinVar's aggregate classification.

Hong-Tao Li Lab, Institute of Brain Science and Brain-inspired Research, Shandong First Medical University & Shandong Academy of Medical Sciences China
Classification: Pathogenic for Intellectual developmental disorder, autosomal recessive 57. Review status: no assertion criteria provided. Collection method: research. Allele origin: germline. Inheritance: Autosomal recessive inheritance. Affected: yes. Observed: 1 variant allele, 1 homozygote. Not counted in ClinVar's aggregate classification.
Comment: Observed in affected individuals from a Pakistani neurodevelopmental-disorder research cohort of 263 individuals. Classification assigned using the ACMG/AMP framework.

Literature cited by the submitters: PubMed 31852446 (cited by 4 submitters); PubMed 27616480 (cited by 3 submitters); PubMed 33335874 (cited by Ambry Genetics and Victorian Clinical Genetics Services, Murdoch Childrens Research Institute); Johansen, A., Rosti, R. O., Musaev, D., Sticca, E., Harripaul, R., Zaki, M., Caglayan, A. O., Azam, M., Sultan, T., Froukh, T., Reis, A., Popp, B., Ahmed, I., John, P., Ayub, M., Ben-Omran, T., Vincent, J. B., Gleeson, J. G., Abou Jamra, R. Mutations in MBOAT7, encoding lysophosphatidylinositol acyltransferase I, lead to intellectual disability accompanied by epilepsy and autistic features. Am. J. Hum. Genet. 99: 912-916, 2016. (cited by OMIM).